The following is an entry in ClinVar:

NM_001382508.1(DROSHA):c.3306A>G (p.Pro1102=)

Gene: DROSHA (drosha ribonuclease III; minus strand). Cytogenetic location: 5p13.3.
Variant type: single nucleotide variant.
Coding change: c.3306A>G on transcript NM_001382508.1 (MANE Select); coding-DNA position 3306, A replaced by G.
Protein change: p.Pro1102=; no amino-acid change (proline 1102 retained).
Molecular consequence: synonymous variant.
Genome position (GRCh38, 1-based): chr5:31,422,900, T>C on the plus strand (A>G on the coding strand, the complement: DROSHA is on the minus strand). VCF-style: chr5-31422900-T-C. GRCh37 (hg19) VCF-style: chr5-31423007-T-C.
Other names: c.3195A>G, p.Pro1065= (NM_001100412.2); c.3306A>G, p.Pro1102= (NM_013235.5).
Identifiers: ClinVar variation 3060707 (VCV003060707.2), dbSNP rs2287584, ClinGen allele CA3217211.
Genomic context (GRCh38, chr5:31,422,900, plus strand): 5'-TCGAACATGAGTAAAAATTACTCCAATTGCTTCTTCAAACTCAGTAAGTTTTTGTAGAAC[T>C]GGAGAAGTTTCAATAAGTTGTCGATCAGTATTTGGCTCTTGTAGCTACAGGAAAATAGAA-3'
Protein context (NP_001369437.1, residues 1092-1112): NTDRQLIETS[Pro1102=]VLQKLTEFEE

ClinVar aggregate classification (germline): Benign (0 of 4 stars; one submission).

Conditions:
DROSHA-related disorder. Also called: DROSHA-related condition.

Allele frequency attached by ClinVar (database versions not stated): gnomAD exomes 0.25022; ESP Exome Variant Server 0.30373; ExAC 0.33024; gnomAD 0.33505; TOPMed 0.34874; 1000 Genomes Project 30x 0.44675; 1000 Genomes Project 0.45288.
gnomAD v4.1: 418,156 of 1,610,786 alleles (26%); highest among the groups gnomAD compares: East Asian, 70%; 64,261 homozygotes.

Submission:

PreventionGenetics, part of Exact Sciences
Classification: Benign for DROSHA-related condition. Last evaluated: 2019-10-30. Review status: no assertion criteria provided. Collection method: clinical testing. Allele origin: germline.
Comment: This variant is classified as benign based on ACMG/AMP sequence variant interpretation guidelines (Richards et al. 2015 PMID: 25741868, with internal and published modifications).